The following is an entry in ClinVar:

ClinVar aggregate classification (germline): Uncertain significance (1 of 4 stars; one submission).

Conditions:
Charcot-Marie-Tooth disease type 4. Also called: Charcot-Marie-Tooth disease, type IV; Charcot-Marie-Tooth, Type 4. Identifiers: Orphanet 64749, MedGen C4082197, MONDO:0018995.

Allele frequency attached by ClinVar (database versions not stated): gnomAD exomes below 0.00001.
gnomAD v4.1: 3 of 1,613,942 alleles (0.00019%); highest among the groups gnomAD compares: Non-Finnish European, 0.00025%; no homozygotes.

Submission:

Labcorp Genetics (formerly Invitae), Labcorp
Classification: Uncertain significance for Charcot-Marie-Tooth disease type 4. Last evaluated: 2023-08-14. Review status: criteria provided, single submitter. Criteria: Invitae Variant Classification Sherloc (09022015). Collection method: clinical testing. Allele origin: germline.
Comment: In summary, the available evidence is currently insufficient to determine the role of this variant in disease. Therefore, it has been classified as a Variant of Uncertain Significance. Algorithms developed to predict the effect of sequence changes on RNA splicing suggest that this variant may create or strengthen a splice site. Advanced modeling of protein sequence and biophysical properties (such as structural, functional, and spatial information, amino acid conservation, physicochemical variation, residue mobility, and thermodynamic stability) performed at Invitae indicates that this missense variant is not expected to disrupt SBF2 protein function. This variant has not been reported in the literature in individuals affected with SBF2-related conditions. This variant is not present in population databases (gnomAD no frequency). This sequence change replaces isoleucine, which is neutral and non-polar, with valine, which is neutral and non-polar, at codon 612 of the SBF2 protein (p.Ile612Val).

NM_030962.4(SBF2):c.1834A>G (p.Ile612Val)

Gene: SBF2 (SET binding factor 2; minus strand). Cytogenetic location: 11p15.4.
Variant type: single nucleotide variant.
Coding change: c.1834A>G on transcript NM_030962.4 (MANE Select); coding-DNA position 1834, A replaced by G.
Protein change: p.Ile612Val; replaces isoleucine 612 with valine.
Molecular consequence: missense variant.
Genome position (GRCh38, 1-based): chr11:9,961,983, T>C on the plus strand (A>G on the coding strand, the complement: SBF2 is on the minus strand). VCF-style: chr11-9961983-T-C. GRCh37 (hg19) VCF-style: chr11-9983530-T-C.
Other names: c.1834A>G, p.Ile612Val (NM_001386339.1); c.1705A>G, p.Ile569Val (NM_001386342.1); c.1870A>G, p.Ile624Val (NM_001424318.1, NM_001425069.1, NM_001425070.1); short protein forms I569V, I624V, I612V.
Identifiers: ClinVar variation 2877592 (VCV002877592.2), dbSNP rs2495859869, ClinGen allele CA379644157.
Genomic context (GRCh38, chr11:9,961,983, plus strand): 5'-ATAAGAGGAATAATCTGAAAGAACTACAAATTACCTGTAGAGTACAATTCATCATCCTTA[T>C]TATGTAGTCAAACTGTTGATGGTCTAATATTGCCCGGTTTTGCTGGACATGCAAACCCAA-3'
Protein context (NP_112224.1, residues 602-622): ILDHQQFDYI[Ile612Val]RMMNCTLQDC